The following is an entry in ClinVar:

NM_000152.5(GAA):c.766_784del (p.Tyr256fs)

Gene: GAA (alpha glucosidase; plus strand). Cytogenetic location: 17q25.3.
Variant type: Deletion.
Coding change: c.766_784del on transcript NM_000152.5 (MANE Select); coding-DNA positions 766 to 784, 19 bases deleted (TATATCACAGGCCTCGCCG).
Protein change: p.Tyr256fs; shifts the reading frame from tyrosine 256.
Molecular consequence: frameshift variant.
Genome position (GRCh38, 1-based): chr17:80,107,630-80,107,648, TATATCACAGGCCTCGCCG deleted; deleting any 19 consecutive bases within chr17:80,107,629-80,107,648 gives the same sequence; the c. name uses the placement nearest the transcript's 3' end. VCF-style (leftmost placement, unchanged base first): chr17-80107628-AGTATATCACAGGCCTCGCC-A. GRCh37 (hg19) VCF-style: chr17-78081427-AGTATATCACAGGCCTCGCC-A.
Other names: c.766_784del, p.Tyr256fs (NM_001079803.3, NM_001079804.3); short protein forms Y256fs.
Identifiers: ClinVar variation 4876325 (VCV004876325.1), dbSNP rs1223685051.

ClinVar aggregate classification (germline): Likely pathogenic (1 of 4 stars; one submission).

Conditions:
Glycogen storage disease, type II (IOPD). Also called: Pompe Disease; CARDIOMEGALIA GLYCOGENICA DIFFUSA; GLYCOGENOSIS, GENERALIZED, CARDIAC FORM; GSD II; POMPE DISEASE, INFANTILE-ONSET; GLYCOGEN STORAGE DISEASE II, INFANTILE-ONSET. Identifiers: Orphanet 365, MedGen C0017921, MONDO:0009290, OMIM 232300.

Submission:

Genomenon, Inc
Classification: Likely pathogenic for Glycogen storage disease, type II. Last evaluated: 2026-07-01. Review status: criteria provided, single submitter. Criteria: Genomenon Sequence Variant Interpretation Standards - Updated. Collection method: curation. Allele origin: germline. Affected: no.
Comment: GAA p.Tyr256SerfsTer6 (c.766_784del) is a frameshift variant that is predicted to introduce a premature termination codon and result in a truncated or absent protein product. This variant has been reported in the published literature (PMID:31342611;33560568). It is absent or not present at a significant frequency in gnomAD. In conclusion, we classify GAA p.Tyr256SerfsTer6 (c.766_784del) as a likely pathogenic variant.

Literature cited by the submitters: PubMed 31342611; PubMed 33560568.